The following is an entry in ClinVar:

NM_033131.4(WNT3A):c.202G>A (p.Glu68Lys)

Gene: WNT3A (Wnt family member 3A; plus strand). Cytogenetic location: 1q42.13.
Variant type: single nucleotide variant.
Coding change: c.202G>A on transcript NM_033131.4 (MANE Select); coding-DNA position 202, G replaced by A.
Protein change: p.Glu68Lys; replaces glutamic acid 68 with lysine.
Molecular consequence: missense variant.
Genome position (GRCh38, 1-based): chr1:228,022,797, G>A. VCF-style: chr1-228022797-G-A. GRCh37 (hg19) VCF-style: chr1-228210498-G-A.
Other names: c.202G>A (NM_033131.3); short protein forms E68K.
Identifiers: ClinVar variation 2083105 (VCV002083105.5), dbSNP rs548478697, ClinGen allele CA1429382.

ClinVar aggregate classification (germline): Uncertain significance. Review status: criteria provided, multiple submitters, no conflicts (2 of 4 stars). 2 submissions from 2 submitters: Uncertain significance (2). Last evaluated 2025-10-02.

Allele frequency attached by ClinVar (database versions not stated): 1000 Genomes Project 0.00020; 1000 Genomes Project 30x 0.00031; gnomAD 0.00001; TOPMed 0.00001; ExAC 0.00006; gnomAD exomes 0.00007.
gnomAD v4.1: 94 of 1,614,154 alleles (0.0058%); highest among the groups gnomAD compares: Admixed American, 0.012%; no homozygotes.

Submissions (2):

Labcorp Genetics (formerly Invitae), Labcorp
Classification: Uncertain significance. Last evaluated: 2025-10-02. Review status: criteria provided, single submitter. Criteria: Invitae Variant Classification Sherloc (09022015). Collection method: clinical testing. Allele origin: germline.
Comment: This sequence change replaces glutamic acid, which is acidic and polar, with lysine, which is basic and polar, at codon 68 of the WNT3A protein (p.Glu68Lys). This variant is present in population databases (rs548478697, gnomAD 0.02%). This variant has not been reported in the literature in individuals affected with WNT3A-related conditions. ClinVar contains an entry for this variant (Variation ID: 2083105). Invitae Evidence Modeling of protein sequence and biophysical properties (such as structural, functional, and spatial information, amino acid conservation, physicochemical variation, residue mobility, and thermodynamic stability) indicates that this missense variant is not expected to disrupt WNT3A protein function with a negative predictive value of 80%. In summary, the available evidence is currently insufficient to determine the role of this variant in disease. Therefore, it has been classified as a Variant of Uncertain Significance.

Ambry Genetics
Classification: Uncertain significance. Last evaluated: 2025-06-30. Review status: criteria provided, single submitter. Criteria: Ambry Variant Classification Scheme 2023. Collection method: clinical testing. Allele origin: germline.